The following is an entry in ClinVar:

NM_001352754.2(ARMC9):c.1790T>C (p.Met597Thr)

Gene: ARMC9 (armadillo repeat containing 9; plus strand). Cytogenetic location: 2q37.1.
Variant type: single nucleotide variant.
Coding change: c.1790T>C on transcript NM_001352754.2 (MANE Select); coding-DNA position 1790, T replaced by C.
Protein change: p.Met597Thr; replaces methionine 597 with threonine.
Molecular consequence: missense variant. On other transcripts: non-coding transcript variant (1), intron variant (1).
Genome position (GRCh38, 1-based): chr2:231,331,809, T>C. VCF-style: chr2-231331809-T-C. GRCh37 (hg19) VCF-style: chr2-232196521-T-C.
Other names: c.1790T>C, p.Met597Thr (NM_001271466.4, NM_001291656.2, NM_001352755.2 and 2 more transcripts); c.1691T>C, p.Met564Thr (NM_001352757.2, NM_001352758.2); c.1774-13166T>C (NM_001352759.2); short protein forms M564T, M597T.
Identifiers: ClinVar variation 938047 (VCV000938047.6), dbSNP rs1213615758, ClinGen allele CA350963052.

ClinVar aggregate classification (germline): Uncertain significance (1 of 4 stars; one submission).

Allele frequency attached by ClinVar (database versions not stated): gnomAD exomes below 0.00001; TOPMed 0.00001.
gnomAD v4.1: 4 of 1,613,942 alleles (0.00025%); highest among the groups gnomAD compares: Non-Finnish European, 0.00034%; no homozygotes.

Submission:

Labcorp Genetics (formerly Invitae), Labcorp
Classification: Uncertain significance. Last evaluated: 2019-09-20. Review status: criteria provided, single submitter. Criteria: Invitae Variant Classification Sherloc (09022015). Collection method: clinical testing. Allele origin: germline.
Comment: In summary, the available evidence is currently insufficient to determine the role of this variant in disease. Therefore, it has been classified as a Variant of Uncertain Significance. Algorithms developed to predict the effect of missense changes on protein structure and function are either unavailable or do not agree on the potential impact of this missense change (SIFT: "Tolerated"; PolyPhen-2: "Not Available"; Align-GVGD: "Class C0"). This variant has not been reported in the literature in individuals with ARMC9-related conditions. This variant is not present in population databases (ExAC no frequency). This sequence change replaces methionine with threonine at codon 597 of the ARMC9 protein (p.Met597Thr). The methionine residue is moderately conserved and there is a moderate physicochemical difference between methionine and threonine.